The following is an entry in ClinVar:

NM_024675.4(PALB2):c.20A>G (p.Lys7Arg)

Gene: PALB2 (partner and localizer of BRCA2; minus strand). Cytogenetic location: 16p12.2.
Variant type: single nucleotide variant.
Coding change: c.20A>G on transcript NM_024675.4 (MANE Select); coding-DNA position 20, A replaced by G.
Protein change: p.Lys7Arg; replaces lysine 7 with arginine.
Molecular consequence: missense variant.
Genome position (GRCh38, 1-based): chr16:23,641,138, T>C on the plus strand (A>G on the coding strand, the complement: PALB2 is on the minus strand). VCF-style: chr16-23641138-T-C. GRCh37 (hg19) VCF-style: chr16-23652459-T-C.
Other names: short protein forms K7R.
Identifiers: ClinVar variation 421024 (VCV000421024.27), dbSNP rs947155109, ClinGen allele CA16620166.

ClinVar aggregate classification (germline): Conflicting classifications of pathogenicity. Review status: criteria provided, conflicting classifications (1 of 4 stars). 10 submissions from 10 submitters: Uncertain significance (9); Likely benign (1). Last evaluated 2026-03-24.

Conditions:
PALB2-related disorder. Also called: PALB2-related disorders; PALB2-related condition.
Hereditary cancer-predisposing syndrome. Also called: Hereditary Cancer Syndrome; Tumor predisposition; Hereditary neoplastic syndrome; Neoplastic Syndromes, Hereditary. Identifiers: Orphanet 140162, MedGen C0027672, MeSH D009386, MONDO:0015356.
Familial cancer of breast. Also called: Hereditary breast cancer; hereditary breast carcinoma; BREAST CANCER, FAMILIAL. Identifiers: Orphanet 227535, MedGen C0346153, MONDO:0016419, OMIM 114480. Disease mechanism: loss of function.

Allele frequency attached by ClinVar (database versions not stated): gnomAD 0.00003; TOPMed 0.00003.
gnomAD v4.1: 6 of 1,613,306 alleles (0.00037%); highest among the groups gnomAD compares: African/African-American, 0.008%; no homozygotes.

Submissions (10):

PreventionGenetics, part of Exact Sciences
Classification: Uncertain significance for PALB2-related condition. Last evaluated: 2026-03-24. Review status: criteria provided, single submitter. Criteria: ACMG Guidelines, 2015. Collection method: clinical testing. Allele origin: germline.
Comment: The PALB2 c.20A>G variant is predicted to result in the amino acid substitution p.Lys7Arg. This variant has been reported in an individual with colon cancer along with a second PALB2 variant (Patient 423046, eTable2, Pearlman et al. 2017. PubMed ID: 27978560). This variant is reported in 0.011% of alleles in individuals of African descent in gnomAD and is reported in ClinVar as uncertain and likely benign (Variation ID: 421024). At this time, the clinical significance of this variant is uncertain due to the absence of conclusive functional and genetic evidence.

Labcorp Genetics (formerly Invitae), Labcorp
Classification: Uncertain significance for Familial cancer of breast. Last evaluated: 2025-11-24. Review status: criteria provided, single submitter. Criteria: Invitae Variant Classification Sherloc (09022015). Collection method: clinical testing. Allele origin: germline.
Comment: This sequence change replaces lysine, which is basic and polar, with arginine, which is basic and polar, at codon 7 of the PALB2 protein (p.Lys7Arg). This variant is present in population databases (no rsID available, gnomAD 0.01%). This missense change has been observed in individual(s) with colorectal cancer (PMID: 27978560). ClinVar contains an entry for this variant (Variation ID: 421024). An algorithm developed to predict the effect of missense changes on protein structure and function outputs the following: PolyPhen-2: "Probably Damaging". The arginine amino acid residue is found in multiple mammalian species, which suggests that this missense change does not adversely affect protein function. In summary, the available evidence is currently insufficient to determine the role of this variant in disease. Therefore, it has been classified as a Variant of Uncertain Significance.

Women's Health and Genetics/Laboratory Corporation of America, LabCorp
Classification: Uncertain significance. Last evaluated: 2025-11-10. Review status: criteria provided, single submitter. Criteria: LabCorp Variant Classification Summary - May 2015. Collection method: clinical testing. Allele origin: germline.
Comment: Variant summary: PALB2 c.20A>G (p.Lys7Arg) results in a conservative amino acid change in the encoded protein sequence. Algorithms developed to predict the effect of missense changes on protein structure and function all suggest that this variant is likely to be tolerated. The variant was absent in 247972 control chromosomes. The available data on variant occurrences in the general population are insufficient to allow any conclusion about variant significance. c.20A>G has been reported in the literature in at least one individual affected with colon cancer, however without strong evidence for causality (e.g., Pearlman_2017). This report therefore does not provide unequivocal conclusions about association of the variant with Prostate Cancer. To our knowledge, no experimental evidence demonstrating an impact on protein function has been reported. The following publication has been ascertained in the context of this evaluation (PMID: 27978560). ClinVar contains an entry for this variant (Variation ID: 421024). Based on the evidence outlined above, the variant was classified as uncertain significance.

Ambry Genetics
Classification: Uncertain significance for Hereditary cancer-predisposing syndrome. Last evaluated: 2024-04-26. Review status: criteria provided, single submitter. Criteria: Ambry Variant Classification Scheme 2023. Collection method: clinical testing. Allele origin: germline.
Comment: The p.K7R variant (also known as c.20A>G), located in coding exon 1 of the PALB2 gene, results from an A to G substitution at nucleotide position 20. The lysine at codon 7 is replaced by arginine, an amino acid with highly similar properties. This alteration has been previously identified in an individual from a North American cohort of individuals with early onset colon cancer (Pearlman R et al. JAMA Oncol, 2017 Apr;3:464-471). This amino acid position is well conserved in available vertebrate species. In addition, this alteration is predicted to be tolerated by in silico analysis. Since supporting evidence is limited at this time, the clinical significance of this alteration remains unclear.

Myriad Genetics, Inc.
Classification: Likely benign for Familial cancer of breast. Last evaluated: 2023-09-28. Review status: criteria provided, single submitter. Criteria: Myriad Autosomal Dominant, Autosomal Recessive and X-Linked Classification Criteria (2023). Collection method: clinical testing. Allele origin: unknown.
Comment: This variant is considered likely benign. This variant is strongly associated with less severe personal and family histories of cancer, typical for individuals without pathogenic variants in this gene [PMID: 25085752].

Baylor Genetics
Classification: Uncertain significance for Familial cancer of breast. Last evaluated: 2023-08-15. Review status: criteria provided, single submitter. Criteria: ACMG Guidelines, 2015. Collection method: clinical testing. Allele origin: unknown.

Quest Diagnostics Nichols Institute San Juan Capistrano
Classification: Uncertain significance. Last evaluated: 2023-05-05. Review status: criteria provided, single submitter. Criteria: Quest Diagnostics criteria. Collection method: clinical testing. Allele origin: unknown.
Comment: The frequency of this variant in the general population, 0.000032 (1/31370 chromosomes), is uninformative in assessment of its pathogenicity. In the published literature, the variant has been reported in an individual with colorectal cancer (PMID: 27978560 (2016)). Analysis of this variant using bioinformatics tools for the prediction of the effect of amino acid changes on protein structure and function yielded predictions that this variant is benign. Based on the available information, we are unable to determine the clinical significance of this variant.

Sema4
Classification: Uncertain significance for Hereditary cancer-predisposing syndrome. Last evaluated: 2022-01-31. Review status: criteria provided, single submitter. Criteria: Sema4 Curation Guidelines. Collection method: curation. Allele origin: germline.
Comment: The PALB2 c.20A>G (p.K7R) variant has been reported in heterozygosity in at least one individual with colorectal cancer (PMID: 27978560). It was observed in 1/8700 chromosomes of the African/African American subpopulation in the large and broad cohorts of the Genome Aggregation Database. The variant has been reported in ClinVar (Variation ID 421024). In silico tools suggest the impact of the variant on protein function is benign, though these predictions have not been confirmed by functional studies. The evidence is insufficient to meet ACMG/AMP criteria for classifying the variant as benign or pathogenic. Thus, the clinical significance of this variant is currently uncertain.

Color Diagnostics, LLC DBA Color Health
Classification: Uncertain significance for Hereditary cancer-predisposing syndrome. Last evaluated: 2020-08-26. Review status: criteria provided, single submitter. Criteria: ACMG Guidelines, 2015. Collection method: clinical testing. Allele origin: germline.
Comment: This missense variant replaces lysine with arginine at codon 7 of the PALB2 protein. Computational prediction suggests that this variant may not impact protein structure and function (internally defined REVEL score threshold <= 0.5, PMID: 27666373). To our knowledge, functional studies have not been reported for this variant. This variant has been reported in an individual affected with colorectal cancer (PMID: 27978560). This variant has been identified in 1/31370 chromosomes in the general population by the Genome Aggregation Database (gnomAD). The available evidence is insufficient to determine the role of this variant in disease conclusively. Therefore, this variant is classified as a Variant of Uncertain Significance.

GeneDx
Classification: Uncertain significance. Last evaluated: 2020-06-24. Review status: criteria provided, single submitter. Criteria: GeneDx Variant Classification Process June 2021. Collection method: clinical testing. Allele origin: germline. Affected: yes.
Comment: Not observed at a significant frequency in large population cohorts (Lek 2016); In silico analysis supports that this missense variant does not alter protein structure/function; Observed in individuals with colorectal cancer (Pearlman 2017); This variant is associated with the following publications: (PMID: 27978560)

Literature cited by the submitters: PubMed 27978560 (cited by 5 submitters); PubMed 25085752 (cited by Myriad Genetics, Inc.).